The following is an entry in ClinVar:

ClinVar aggregate classification (germline): Uncertain significance. Review status: criteria provided, multiple submitters, no conflicts (2 of 4 stars). 2 submissions from 2 submitters: Uncertain significance (2). Last evaluated 2025-06-25.

Conditions:
IQCE-related disorder. Also called: IQCE-related condition.

Allele frequency attached by ClinVar (database versions not stated): gnomAD 0.00008; gnomAD exomes 0.00013; ExAC 0.00018.
gnomAD v4.1: 194 of 1,607,450 alleles (0.012%); highest among the groups gnomAD compares: Non-Finnish European, 0.015%; no homozygotes.

Submissions (2):

PreventionGenetics, part of Exact Sciences
Classification: Uncertain significance for IQCE-related condition. Last evaluated: 2025-06-25. Review status: criteria provided, single submitter. Criteria: ACMG Guidelines, 2015. Collection method: clinical testing. Allele origin: germline.
Comment: The IQCE c.1888A>G variant is predicted to result in the amino acid substitution p.Thr630Ala. To our knowledge, this variant has not been reported in the literature. This variant is reported in 0.023% of alleles in individuals of European (Non-Finnish) descent in gnomAD. At this time, the clinical significance of this variant is uncertain due to the absence of conclusive functional and genetic evidence.

Ambry Genetics
Classification: Uncertain significance. Last evaluated: 2021-07-14. Review status: criteria provided, single submitter. Criteria: Ambry Variant Classification Scheme 2023. Collection method: clinical testing. Allele origin: germline.

NM_152558.5(IQCE):c.1888A>G (p.Thr630Ala)

Gene: IQCE (IQ motif containing E; plus strand). Cytogenetic location: 7p22.3.
Variant type: single nucleotide variant.
Coding change: c.1888A>G on transcript NM_152558.5 (MANE Select); coding-DNA position 1888, A replaced by G.
Protein change: p.Thr630Ala; replaces threonine 630 with alanine.
Molecular consequence: missense variant.
Genome position (GRCh38, 1-based): chr7:2,607,146, A>G. VCF-style: chr7-2607146-A-G. GRCh37 (hg19) VCF-style: chr7-2646780-A-G.
Other names: c.1888A>G (NM_152558.4); c.1888A>G, p.Thr630Ala (NM_001287499.2); c.1840A>G, p.Thr614Ala (NM_001287500.2, NM_001410865.1); c.1693A>G, p.Thr565Ala (NM_001287501.2, NM_001287502.2); short protein forms T614A, T630A, T565A.
Identifiers: ClinVar variation 2391191 (VCV002391191.3), dbSNP rs764720645, ClinGen allele CA4129543.
Genomic context (GRCh38, chr7:2,607,146, plus strand): 5'-AAAAGCAGAATCAGCTGGCGTTTTCTGTTTTTTTCCAGTGCTACCGGTAAAAGAACCACC[A>G]CCGCAGCTTCTACCAGGAGGAGATCGGCTTCAGCCACACACGGGGACGCCTCCTCCCCAC-3'
Protein context (NP_689771.3, residues 620-640): RHSATGKRTT[Thr630Ala]AASTRRRSAS